The following is an entry in ClinVar:

NM_001128203.2(PLAAT3):c.24T>C (p.Pro8=)

Gene: PLAAT3 (phospholipase A and acyltransferase 3; minus strand). Cytogenetic location: 11q12.3.
Variant type: single nucleotide variant.
Coding change: c.24T>C on transcript NM_001128203.2 (MANE Select); coding-DNA position 24, T replaced by C.
Protein change: p.Pro8=; no amino-acid change (proline 8 retained).
Molecular consequence: synonymous variant.
Genome position (GRCh38, 1-based): chr11:63,598,155, A>G on the plus strand (T>C on the coding strand, the complement: PLAAT3 is on the minus strand). VCF-style: chr11-63598155-A-G. GRCh37 (hg19) VCF-style: chr11-63365627-A-G.
Other names: c.24T>C, p.Pro8= (NM_007069.3).
Identifiers: ClinVar variation 4872286 (VCV004872286.2).

ClinVar aggregate classification (germline): Likely benign (1 of 4 stars; one submission).

gnomAD v4.1: 13 of 1,612,984 alleles (0.00081%); highest among the groups gnomAD compares: Non-Finnish European, 0.0011%; no homozygotes.

Submission:

CeGaT Center for Human Genetics Tuebingen
Classification: Likely benign. Last evaluated: 2026-06-01. Review status: criteria provided, single submitter. Criteria: CeGaT Center For Human Genetics Tuebingen Variant Classification Criteria Version 2. Collection method: clinical testing. Allele origin: germline. Affected: yes. Observed: 1 variant allele.
Comment: PLAAT3: BP4, BP7